The following is an entry in ClinVar:

ClinVar aggregate classification (germline): Pathogenic (1 of 4 stars; one submission).

Conditions:
Autosomal recessive nonsyndromic hearing loss 77. Identifiers: Orphanet 90636, MedGen C2746083, MONDO:0013119, OMIM 613079.

Submission:

Myriad Genetics, Inc.
Classification: Pathogenic for Autosomal recessive nonsyndromic hearing loss 77. Last evaluated: 2026-08-03. Review status: criteria provided, single submitter. Criteria: Myriad Autosomal Dominant, Autosomal Recessive and X-Linked Classification Criteria (2023). Collection method: clinical testing. Allele origin: unknown.
Comment: NM_144612.6(LOXHD1):c.5112delA(D1706Mfs*13) is a frameshift variant classified as pathogenic in the context of nonsyndromic hearing loss, LOXHD1-related. D1706Mfs*13 has not been observed in cases with relevant disease. Relevant functional assessments of this variant are not available in the literature. D1706Mfs*13 has not been observed in referenced population frequency databases. In summary, NM_144612.6(LOXHD1):c.5112delA(D1706Mfs*13) is a frameshift variant in a gene where loss of function is a known mechanism of disease and is predicted to disrupt protein function. Please note: this variant was assessed in the context of healthy population screening.

NM_001384474.1(LOXHD1):c.5298del (p.Asp1768fs)

Gene: LOXHD1 (lipoxygenase homology PLAT domains 1; minus strand). Cytogenetic location: 18q21.1.
Variant type: Deletion.
Coding change: c.5298del on transcript NM_001384474.1 (MANE Select); coding-DNA position 5298, one base deleted (A; older notation c.5298delA).
Protein change: p.Asp1768fs; shifts the reading frame from aspartic acid 1768.
Molecular consequence: frameshift variant.
Genome position (GRCh38, 1-based): chr18:46,518,230, T deleted on the plus strand (A on the coding strand, the reverse complement: LOXHD1 is on the minus strand). VCF-style (leftmost placement, unchanged base first): chr18-46518229-CT-C. GRCh37 (hg19) VCF-style: chr18-44098192-CT-C.
Other names: c.1965del, p.Asp657fs (NM_001145472.3); c.15del, p.Asp7fs (NM_001145473.3, NM_001173129.2); c.1677del, p.Asp561fs (NM_001308013.2); c.5112del, p.Asp1706fs (NM_144612.7); short protein forms D1706fs, D657fs, D1768fs, D561fs, D7fs.
Identifiers: ClinVar variation 5004827 (VCV005004827.1).
Genomic context (GRCh38, chr18:46,518,229, plus strand): 5'-CGTTGATGCCGTAGAGGGTCATGAAGATGTTGGAGTCAGTGCCCCCGCCAACCACATCCC[CT>C]GTCCACACCGTCATTTCATAGAGAACCTGCCATGAGAGGAATGCAGGTGCTGAGTCTCAG-3'